The following is an entry in ClinVar:

NM_001374736.1(DST):c.19846C>T (p.Pro6616Ser)

Gene: DST (dystonin; minus strand). Cytogenetic location: 6p12.1.
Variant type: single nucleotide variant.
Coding change: c.19846C>T on transcript NM_001374736.1 (MANE Select); coding-DNA position 19846, C replaced by T.
Protein change: p.Pro6616Ser; replaces proline 6616 with serine.
Molecular consequence: missense variant.
Genome position (GRCh38, 1-based): chr6:56,501,130, G>A on the plus strand (C>T on the coding strand, the complement: DST is on the minus strand). VCF-style: chr6-56501130-G-A. GRCh37 (hg19) VCF-style: chr6-56365928-G-A.
Other names: c.13489C>T, p.Pro4497Ser (NM_001144769.5); c.13075C>T, p.Pro4359Ser (NM_001144770.2); c.19846C>T, p.Pro6616Ser (NM_001374722.1); c.18886C>T, p.Pro6296Ser (NM_001374729.1); c.12628C>T, p.Pro4210Ser (NM_001374730.1); c.19873C>T, p.Pro6625Ser (NM_001374734.1); c.12955C>T, p.Pro4319Ser (NM_001386100.1, NM_183380.4); c.11977C>T, p.Pro3993Ser (NM_015548.5); short protein forms P4319S, P4497S, P6296S, P4359S, P3993S, P4210S, P6625S, P6616S.
Identifiers: ClinVar variation 2172669 (VCV002172669.1), dbSNP rs545567343, ClinGen allele CA3866904.

ClinVar aggregate classification (germline): Uncertain significance (1 of 4 stars; one submission).

Conditions:
Hereditary sensory and autonomic neuropathy type 6. Also called: HSAN VI; Neuropathy, hereditary sensory and autonomic, type VI. Identifiers: Orphanet 314381, MedGen C3539003, MONDO:0013839, OMIM 614653.
Epidermolysis bullosa simplex 3, localized or generalized intermediate, with BP230 deficiency (EBS3). Also called: Epidermolysis bullosa simplex due to BP230 deficiency; Epidermolysis bullosa simplex, autosomal recessive 2. Identifiers: Orphanet 412181, MedGen C3809470, MONDO:0014180, OMIM 615425.

Allele frequency attached by ClinVar (database versions not stated): gnomAD exomes 0.00001; gnomAD 0.00002; ExAC 0.00005; 1000 Genomes Project 30x 0.00016; 1000 Genomes Project 0.00020.
gnomAD v4.1: 14 of 1,612,788 alleles (0.00087%); highest among the groups gnomAD compares: East Asian, 0.031%; no homozygotes.

Submission:

Labcorp Genetics (formerly Invitae), Labcorp
Classification: Uncertain significance for Epidermolysis bullosa simplex 3, localized or generalized intermediate, with BP230 deficiency; Hereditary sensory and autonomic neuropathy type 6. Last evaluated: 2022-02-15. Review status: criteria provided, single submitter. Criteria: Invitae Variant Classification Sherloc (09022015). Collection method: clinical testing. Allele origin: germline.
Comment: The DST gene has multiple clinically relevant transcripts. This variant occurs in alternate transcript NM_015548.4, and corresponds to NM_001723.5:c.*114387C>T in the primary transcript. This sequence change replaces proline, which is neutral and non-polar, with serine, which is neutral and polar, at codon 3993 of the DST protein (p.Pro3993Ser). This variant is present in population databases (rs545567343, gnomAD 0.05%). This variant has not been reported in the literature in individuals affected with DST-related conditions. Experimental studies and prediction algorithms are not available or were not evaluated, and the functional significance of this variant is currently unknown. In summary, the available evidence is currently insufficient to determine the role of this variant in disease. Therefore, it has been classified as a Variant of Uncertain Significance.